The following is an entry in ClinVar:

ClinVar aggregate classification (germline): Uncertain significance (1 of 4 stars; one submission).

Submission:

Labcorp Genetics (formerly Invitae), Labcorp
Classification: Uncertain significance. Last evaluated: 2023-10-06. Review status: criteria provided, single submitter. Criteria: Invitae Variant Classification Sherloc (09022015). Collection method: clinical testing. Allele origin: germline.
Comment: This sequence change creates a premature translational stop signal (p.Leu379Thrfs*5) in the GUF1 gene. It is expected to result in an absent or disrupted protein product. However, the current clinical and genetic evidence is not sufficient to establish whether loss-of-function variants in GUF1 cause disease. This variant is not present in population databases (gnomAD no frequency). This variant has not been reported in the literature in individuals affected with GUF1-related conditions. In summary, the available evidence is currently insufficient to determine the role of this variant in disease. Therefore, it has been classified as a Variant of Uncertain Significance.

NM_021927.3(GUF1):c.1134dup (p.Leu379fs)

Gene: GUF1 (GTP binding elongation factor GUF1; plus strand). Cytogenetic location: 4p12.
Variant type: Duplication.
Coding change: c.1134dup on transcript NM_021927.3 (MANE Select); coding-DNA position 1134, one base duplicated (A; older notation c.1134dupA).
Protein change: p.Leu379fs; shifts the reading frame from leucine 379.
Molecular consequence: frameshift variant.
Genome position (GRCh38, 1-based): chr4:44,689,341, A duplicated; the last of 5 consecutive A bases (chr4:44,689,337-44,689,341); duplicating any one gives the same sequence. VCF-style (leftmost placement, unchanged base first): chr4-44689336-G-GA. GRCh37 (hg19) VCF-style: chr4-44691353-G-GA.
Other names: c.162dup, p.Leu55fs (NM_001345867.2, NM_001345869.2); c.1134dup, p.Leu379fs (NM_001345868.2); short protein forms L55fs, L379fs.
Identifiers: ClinVar variation 2698886 (VCV002698886.3), dbSNP rs2545502888, ClinGen allele CA2697546689.